The following is an entry in ClinVar:

ClinVar aggregate classification (germline): Uncertain significance (1 of 4 stars; one submission).

Conditions:
Leigh syndrome (NULS). Also called: Leigh's necrotizing encephalopathy; Leigh's disease; Leigh Syndrome (mtDNA deletion); Leigh Disease; Subacute necrotizing encephalopathy; Necrotizing encephalopathy infantile subacute of Leigh. Identifiers: Orphanet 506, MedGen C2931891, MONDO:0009723, OMIM 256000.

Submission:

Wong Mito Lab, Molecular and Human Genetics, Baylor College of Medicine
Classification: Uncertain significance for Leigh syndrome. Last evaluated: 2019-10-17. Review status: criteria provided, single submitter. Criteria: Modified ACMG Guidelines (Unpublished). Collection method: clinical testing. Allele origin: germline.
Comment: The NC_012920.1:m.8474C>T (YP_003024030.1:p.Pro37Ser) variant in MTATP8 gene is interpretated to be a Uncertain Significance variant based on the modified ACMG guidelines (unpublished). This variant meets the following evidence codes: BS1

NC_012920.1(MT-ATP8):m.8474C>T

Gene: MT-ATP8 (mitochondrially encoded ATP synthase 8; plus strand).
Variant type: single nucleotide variant.
Genome position: chrM-8474-C-T.
Identifiers: ClinVar variation 692870 (VCV000692870.1), dbSNP rs1603221515, ClinGen allele CA414796253.